The following is an entry in ClinVar:

ClinVar aggregate classification (germline): Uncertain significance (1 of 4 stars; one submission).

Conditions:
Cardiovascular phenotype. Identifiers: MedGen CN230736.

Submission:

Ambry Genetics
Classification: Uncertain significance for Cardiovascular phenotype. Last evaluated: 2023-03-24. Review status: criteria provided, single submitter. Criteria: Ambry Variant Classification Scheme 2023. Collection method: clinical testing. Allele origin: germline.
Comment: The p.E888K variant (also known as c.2662G>A), located in coding exon 21 of the DMD gene, results from a G to A substitution at nucleotide position 2662. The glutamic acid at codon 888 is replaced by lysine, an amino acid with similar properties. This amino acid position is highly conserved in available vertebrate species. In addition, this alteration is predicted to be tolerated by in silico analysis. Since supporting evidence is limited at this time, the clinical significance of this alteration remains unclear.

NM_004006.3(DMD):c.2662G>A (p.Glu888Lys)

Gene: DMD (dystrophin; minus strand). Cytogenetic location: Xp21.1.
Variant type: single nucleotide variant.
Coding change: c.2662G>A on transcript NM_004006.3 (MANE Select); coding-DNA position 2662, G replaced by A.
Protein change: p.Glu888Lys; replaces glutamic acid 888 with lysine.
Molecular consequence: missense variant.
Genome position (GRCh38, 1-based): chrX:32,485,060, C>T on the plus strand (G>A on the coding strand, the complement: DMD is on the minus strand). VCF-style: chrX-32485060-C-T. GRCh37 (hg19) VCF-style: chrX-32503177-C-T.
Other names: c.2638G>A, p.Glu880Lys (NM_000109.4); c.2650G>A, p.Glu884Lys (NM_004009.3); c.2293G>A, p.Glu765Lys (NM_004010.3); short protein forms E888K, E765K, E880K, E884K.
Identifiers: ClinVar variation 2565088 (VCV002565088.2), dbSNP rs2524916475, ClinGen allele CA412671021.